The following is an entry in ClinVar:

NM_002691.4(POLD1):c.1174G>T (p.Val392Leu)

Gene: POLD1 (DNA polymerase delta 1, catalytic subunit; plus strand). Cytogenetic location: 19q13.33.
Variant type: single nucleotide variant.
Coding change: c.1174G>T on transcript NM_002691.4 (MANE Select); coding-DNA position 1174, G replaced by T.
Protein change: p.Val392Leu; replaces valine 392 with leucine.
Molecular consequence: missense variant. On other transcripts: non-coding transcript variant (1).
Genome position (GRCh38, 1-based): chr19:50,403,529, G>T. VCF-style: chr19-50403529-G-T. GRCh37 (hg19) VCF-style: chr19-50906786-G-T.
Other names: c.1174G>T, p.Val392Leu (NM_001256849.1, NM_001308632.1); short protein forms V392L.
Identifiers: ClinVar variation 663115 (VCV000663115.12), dbSNP rs778843530, ClinGen allele CA406978503.

ClinVar aggregate classification (germline): Conflicting classifications of pathogenicity. Review status: criteria provided, conflicting classifications (1 of 4 stars). 2 submissions from 2 submitters: Uncertain significance (1); Likely benign (1). Last evaluated 2024-04-08.

Conditions:
POLD1-related polyposis and colorectal cancer syndrome (CRCS10). Also called: Colorectal cancer, susceptibility to, 10; Colorectal cancer 10; COLORECTAL CANCER, SUSCEPTIBILITY TO, ON CHROMOSOME 19q. Identifiers: Orphanet 220460, MedGen C2675481, MONDO:0012953, OMIM 612591.
Hereditary cancer-predisposing syndrome. Also called: Hereditary neoplastic syndrome; Tumor predisposition; Hereditary Cancer Syndrome; Neoplastic Syndromes, Hereditary. Identifiers: Orphanet 140162, MedGen C0027672, MeSH D009386, MONDO:0015356.

Submissions (2):

Ambry Genetics
Classification: Likely benign for Hereditary cancer-predisposing syndrome. Last evaluated: 2024-04-08. Review status: criteria provided, single submitter. Criteria: Ambry Variant Classification Scheme 2023. Collection method: clinical testing. Allele origin: germline.

Labcorp Genetics (formerly Invitae), Labcorp
Classification: Uncertain significance for POLD1-related polyposis and colorectal cancer syndrome. Last evaluated: 2022-02-24. Review status: criteria provided, single submitter. Criteria: Invitae Variant Classification Sherloc (09022015). Collection method: clinical testing. Allele origin: germline.
Comment: In summary, the available evidence is currently insufficient to determine the role of this variant in disease. Therefore, it has been classified as a Variant of Uncertain Significance. This sequence change replaces valine, which is neutral and non-polar, with leucine, which is neutral and non-polar, at codon 392 of the POLD1 protein (p.Val392Leu). This variant is not present in population databases (gnomAD no frequency). This variant has not been reported in the literature in individuals affected with POLD1-related conditions. ClinVar contains an entry for this variant (Variation ID: 663115). Algorithms developed to predict the effect of missense changes on protein structure and function (SIFT, PolyPhen-2, Align-GVGD) all suggest that this variant is likely to be tolerated.